The following is an entry in ClinVar:

ClinVar aggregate classification (germline): Uncertain significance (1 of 4 stars; one submission).

Conditions:
Autoimmune lymphoproliferative syndrome type 2A (ALPS2A). Also called: CASP10-Related Autoimmune Lymphoproliferative Syndrome; AUTOIMMUNE LYMPHOPROLIFERATIVE SYNDROME, TYPE IIA; Autoimmune lymphoproliferative syndrome type 2. Identifiers: Orphanet 3261, MedGen C1858968, MONDO:0011383, OMIM 603909.

Submission:

Labcorp Genetics (formerly Invitae), Labcorp
Classification: Uncertain significance for Autoimmune lymphoproliferative syndrome, type 2A; Autoimmune lymphoproliferative syndrome type 2. Last evaluated: 2019-11-15. Review status: criteria provided, single submitter. Criteria: Invitae Variant Classification Sherloc (09022015). Collection method: clinical testing. Allele origin: germline.
Comment: This sequence change replaces leucine with proline at codon 122 of the CASP10 protein (p.Leu122Pro). The leucine residue is moderately conserved and there is a moderate physicochemical difference between leucine and proline. This variant is not present in population databases (ExAC no frequency). This variant has not been reported in the literature in individuals with CASP10-related conditions. Algorithms developed to predict the effect of missense changes on protein structure and function are either unavailable or do not agree on the potential impact of this missense change (SIFT: "Deleterious"; PolyPhen-2: "Probably Damaging"; Align-GVGD: "Class C0"). In summary, the available evidence is currently insufficient to determine the role of this variant in disease. Therefore, it has been classified as a Variant of Uncertain Significance.

NM_032977.4(CASP10):c.365T>C (p.Leu122Pro)

Gene: CASP10 (caspase 10; plus strand). Cytogenetic location: 2q33.1.
Variant type: single nucleotide variant.
Coding change: c.365T>C on transcript NM_032977.4 (MANE Select); coding-DNA position 365, T replaced by C.
Protein change: p.Leu122Pro; replaces leucine 122 with proline.
Molecular consequence: missense variant.
Genome position (GRCh38, 1-based): chr2:201,187,723, T>C. VCF-style: chr2-201187723-T-C. GRCh37 (hg19) VCF-style: chr2-202052446-T-C.
Other names: c.365T>C, p.Leu122Pro (NM_001206524.2, NM_001206542.2, NM_001230.5 and 3 more transcripts); short protein forms L122P.
Identifiers: ClinVar variation 965519 (VCV000965519.3), dbSNP rs1944463643, ClinGen allele CA350278157.
Genomic context (GRCh38, chr2:201,187,723, plus strand): 5'-ACAAGTGTAAGGCTTTATTTGTCATTTTGGGTGTGTGTCTTAGAAACCTGCTCTACGAAC[T>C]GTCAGAAGGCATTGACTCAGAGAACTTAAAGGACATGATCTTCCTTCTGAAAGACTCGCT-3'
Protein context (NP_116759.2, residues 112-132): VSLFRNLLYE[Leu122Pro]SEGIDSENLK